The following is an entry in ClinVar:

ClinVar aggregate classification (germline): Benign. Review status: criteria provided, multiple submitters, no conflicts (2 of 4 stars). 3 submissions from 3 submitters: Benign (3). Last evaluated 2019-04-19.

Allele frequency attached by ClinVar (database versions not stated): 1000 Genomes Project 30x 0.03982; 1000 Genomes Project 0.04034; TOPMed 0.05601; ESP Exome Variant Server 0.06185; gnomAD 0.06300; ExAC 0.10412.
gnomAD v4.1: 119,358 of 1,589,382 alleles (7.5%); highest among the groups gnomAD compares: Non-Finnish European, 8.4%; 5,339 homozygotes.

Submissions (3):

GeneDx
Classification: Benign. Last evaluated: 2019-04-19. Review status: criteria provided, single submitter. Criteria: GeneDx Variant Classification Process June 2021. Collection method: clinical testing. Allele origin: germline. Affected: yes.
Comment: This variant is associated with the following publications: (PMID: 30177775)

Laboratory for Molecular Medicine, Mass General Brigham Personalized Medicine
Classification: Benign. Last evaluated: 2016-03-28. Review status: criteria provided, single submitter. Criteria: LMM Criteria. Collection method: clinical testing. Allele origin: germline.
Comment: Variant identified in a genome or exome case(s) and assessed due to predicted null impact of the variant or pathogenic assertions in the literature or databases. Disclaimer: This variant has not undergone full assessment. The following are preliminary notes: Frequency

Breakthrough Genomics
Classification: Benign. Review status: criteria provided, single submitter. Criteria: ACMG Guidelines, 2015. Collection method: not provided. Allele origin: germline. Inheritance: Unknown mechanism. Affected: yes.

NM_001142854.2(SPATC1L):c.577G>A (p.Ala193Thr)

Gene: SPATC1L (spermatogenesis and centriole associated 1 like; minus strand). Cytogenetic location: 21q22.3.
Variant type: single nucleotide variant.
Coding change: c.577G>A on transcript NM_001142854.2 (MANE Select); coding-DNA position 577, G replaced by A.
Protein change: p.Ala193Thr; replaces alanine 193 with threonine.
Molecular consequence: missense variant.
Genome position (GRCh38, 1-based): chr21:46,162,035, C>T on the plus strand (G>A on the coding strand, the complement: SPATC1L is on the minus strand). VCF-style: chr21-46162035-C-T. GRCh37 (hg19) VCF-style: chr21-47581949-C-T.
Other names: c.115G>A, p.Ala39Thr (NM_032261.5); short protein forms A193T, A39T.
Identifiers: ClinVar variation 403470 (VCV000403470.7), dbSNP rs113146399, ClinGen allele CA10074356.